The following is an entry in ClinVar:

ClinVar aggregate classification (germline): Likely benign. Review status: criteria provided, single submitter (1 of 4 stars). 2 submissions from 2 submitters: Likely benign (1). 1 of the submissions does not count toward it. Last evaluated 2026-01-26.

Conditions:
ERBIN-related disorder. Also called: ERBIN-related condition.

Allele frequency attached by ClinVar (database versions not stated): gnomAD exomes 0.00013 and 0.00043; ExAC 0.00062; 1000 Genomes Project 30x 0.00141; gnomAD 0.00158 and 0.00173; TOPMed 0.00158; 1000 Genomes Project 0.00160; ESP Exome Variant Server 0.00177.
gnomAD v4.1: 418 of 1,599,690 alleles (0.026%); highest among the groups gnomAD compares: African/African-American, 0.5%; 2 homozygotes.

Submissions (2):

Labcorp Genetics (formerly Invitae), Labcorp
Classification: Likely benign. Last evaluated: 2026-01-26. Review status: criteria provided, single submitter. Criteria: Invitae Variant Classification Sherloc (09022015). Collection method: clinical testing. Allele origin: germline.

PreventionGenetics, part of Exact Sciences
Classification: Likely benign for ERBIN-related condition. Last evaluated: 2023-09-21. Review status: no assertion criteria provided. Collection method: clinical testing. Allele origin: germline. Not counted in ClinVar's aggregate classification.
Comment: This variant is classified as likely benign based on ACMG/AMP sequence variant interpretation guidelines (Richards et al. 2015 PMID: 25741868, with internal and published modifications).

NM_001253697.2(ERBIN):c.542A>G (p.Asn181Ser)

Gene: ERBIN (erbb2 interacting protein; plus strand). Cytogenetic location: 5q12.3.
Variant type: single nucleotide variant.
Coding change: c.542A>G on transcript NM_001253697.2 (MANE Select); coding-DNA position 542, A replaced by G.
Protein change: p.Asn181Ser; replaces asparagine 181 with serine.
Molecular consequence: missense variant.
Genome position (GRCh38, 1-based): chr5:66,021,330, A>G. VCF-style: chr5-66021330-A-G. GRCh37 (hg19) VCF-style: chr5-65317158-A-G.
Other names: c.542A>G, p.Asn181Ser (NM_001006600.3, NM_001253698.2, NM_001253699.2 and 2 more transcripts); c.542A>G (NM_001006600.2); short protein forms N181S.
Identifiers: ClinVar variation 1569978 (VCV001569978.10), dbSNP rs151174390, ClinGen allele CA3285967.